The following is an entry in ClinVar:

ClinVar aggregate classification (germline): Uncertain significance (1 of 4 stars; one submission).

Conditions:
Specific granule deficiency. Identifiers: Orphanet 169142, MedGen C0398593, MONDO:0009506.

Submission:

Labcorp Genetics (formerly Invitae), Labcorp
Classification: Uncertain significance for Specific granule deficiency. Last evaluated: 2020-05-04. Review status: criteria provided, single submitter. Criteria: Invitae Variant Classification Sherloc (09022015). Collection method: clinical testing. Allele origin: germline.
Comment: This sequence change replaces glycine with cysteine at codon 196 of the CEBPE protein (p.Gly196Cys). The glycine residue is highly conserved and there is a large physicochemical difference between glycine and cysteine. This variant is not present in population databases (ExAC no frequency). This variant has not been reported in the literature in individuals with CEBPE-related conditions. Algorithms developed to predict the effect of missense changes on protein structure and function (SIFT, PolyPhen-2, Align-GVGD) all suggest that this variant is likely to be disruptive, but these predictions have not been confirmed by published functional studies and their clinical significance is uncertain. In summary, the available evidence is currently insufficient to determine the role of this variant in disease. Therefore, it has been classified as a Variant of Uncertain Significance.

NM_001805.4(CEBPE):c.586G>T (p.Gly196Cys)

Gene: CEBPE (CCAAT enhancer binding protein epsilon; minus strand). Cytogenetic location: 14q11.2.
Variant type: single nucleotide variant.
Coding change: c.586G>T on transcript NM_001805.4 (MANE Select); coding-DNA position 586, G replaced by T.
Protein change: p.Gly196Cys; replaces glycine 196 with cysteine.
Molecular consequence: missense variant.
Genome position (GRCh38, 1-based): chr14:23,117,747, C>A on the plus strand (G>T on the coding strand, the complement: CEBPE is on the minus strand). VCF-style: chr14-23117747-C-A. GRCh37 (hg19) VCF-style: chr14-23586956-C-A.
Other names: short protein forms G196C.
Identifiers: ClinVar variation 1040516 (VCV001040516.10), dbSNP rs147384349, ClinGen allele CA388952154.
Genomic context (GRCh38, chr14:23,117,747, plus strand): 5'-TGTTGTTGCGCTCCCGCCTCAGCCGGTACTCAAGGCTATCTTTGTTCACTGCCTTCTTGC[C>A]CTTGTGTAAGGGGCCAGCCGGGGAGGGCGCCTTCAGGAGGGGACTGCAGGGGGGTGCGGC-3'
Protein context (NP_001796.2, residues 186-206): APSPAGPLHK[Gly196Cys]KKAVNKDSLE